The following is an entry in ClinVar:

NM_003001.5(SDHC):c.313T>G (p.Ser105Ala)

Gene: SDHC (succinate dehydrogenase complex subunit C; plus strand). Cytogenetic location: 1q23.3.
Variant type: single nucleotide variant.
Coding change: c.313T>G on transcript NM_003001.5 (MANE Select); coding-DNA position 313, T replaced by G.
Protein change: p.Ser105Ala; replaces serine 105 with alanine.
Molecular consequence: missense variant. On other transcripts: non-coding transcript variant (1), intron variant (3).
Genome position (GRCh38, 1-based): chr1:161,356,748, T>G. VCF-style: chr1-161356748-T-G. GRCh37 (hg19) VCF-style: chr1-161326538-T-G.
Other names: c.211T>G, p.Ser71Ala (NM_001035512.3); c.154T>G, p.Ser52Ala (NM_001035513.3); c.433T>G, p.Ser145Ala (NM_001407115.1); c.256T>G, p.Ser86Ala (NM_001407116.1); c.250T>G, p.Ser84Ala (NM_001407117.1); c.205T>G, p.Ser69Ala (NM_001407118.1); c.202T>G, p.Ser68Ala (NM_001407119.1, NM_001407120.1); c.242-5581T>G (NM_001035511.3); and 2 more; short protein forms S84A, S86A, S105A, S145A, S71A, S52A, S68A, S69A.
Identifiers: ClinVar variation 3316910 (VCV003316910.1).

ClinVar aggregate classification (germline): Uncertain significance (1 of 4 stars; one submission).

Conditions:
Hereditary cancer-predisposing syndrome. Also called: Neoplastic Syndromes, Hereditary; Tumor predisposition; Hereditary neoplastic syndrome; Hereditary Cancer Syndrome. Identifiers: Orphanet 140162, MedGen C0027672, MeSH D009386, MONDO:0015356.

Submission:

Ambry Genetics
Classification: Uncertain significance for Hereditary cancer-predisposing syndrome. Last evaluated: 2024-05-31. Review status: criteria provided, single submitter. Criteria: Ambry Variant Classification Scheme 2023. Collection method: clinical testing. Allele origin: germline.
Comment: The p.S105A variant (also known as c.313T>G), located in coding exon 5 of the SDHC gene, results from a T to G substitution at nucleotide position 313. The serine at codon 105 is replaced by alanine, an amino acid with similar properties. This amino acid position is conserved. In addition, the in silico prediction for this alteration is inconclusive. Based on the available evidence, the clinical significance of this variant remains unclear.